The following is an entry in ClinVar:

NM_002227.4(JAK1):c.938A>G (p.Tyr313Cys)

Gene: JAK1 (Janus kinase 1; minus strand). Cytogenetic location: 1p31.3.
Variant type: single nucleotide variant.
Coding change: c.938A>G on transcript NM_002227.4 (MANE Select); coding-DNA position 938, A replaced by G.
Protein change: p.Tyr313Cys; replaces tyrosine 313 with cysteine.
Molecular consequence: missense variant.
Genome position (GRCh38, 1-based): chr1:64,866,918, T>C on the plus strand (A>G on the coding strand, the complement: JAK1 is on the minus strand). VCF-style: chr1-64866918-T-C. GRCh37 (hg19) VCF-style: chr1-65332601-T-C.
Other names: c.938A>G, p.Tyr313Cys (NM_001320923.2, NM_001321852.2, NM_001321853.2 and 4 more transcripts); short protein forms Y313C.
Identifiers: ClinVar variation 3622675 (VCV003622675.2).

ClinVar aggregate classification (germline): Uncertain significance (1 of 4 stars; one submission).

gnomAD v4.1: 2 of 1,614,088 alleles (0.00012%); highest among the groups gnomAD compares: African/African-American, 0.0027%; no homozygotes.

Submission:

Labcorp Genetics (formerly Invitae), Labcorp
Classification: Uncertain significance. Last evaluated: 2024-06-24. Review status: criteria provided, single submitter. Criteria: Invitae Variant Classification Sherloc (09022015). Collection method: clinical testing. Allele origin: germline.
Comment: This sequence change replaces tyrosine, which is neutral and polar, with cysteine, which is neutral and slightly polar, at codon 313 of the JAK1 protein (p.Tyr313Cys). This variant is present in population databases (no rsID available, gnomAD 0.02%). This variant has not been reported in the literature in individuals affected with JAK1-related conditions. Advanced modeling of protein sequence and biophysical properties (such as structural, functional, and spatial information, amino acid conservation, physicochemical variation, residue mobility, and thermodynamic stability) performed at Invitae indicates that this missense variant is not expected to disrupt JAK1 protein function with a negative predictive value of 80%. In summary, the available evidence is currently insufficient to determine the role of this variant in disease. Therefore, it has been classified as a Variant of Uncertain Significance.